The following is an entry in ClinVar:

NM_015046.7(SETX):c.2736C>T (p.Pro912=)

Gene: SETX (senataxin; minus strand). Cytogenetic location: 9q34.13.
Variant type: single nucleotide variant.
Coding change: c.2736C>T on transcript NM_015046.7 (MANE Select); coding-DNA position 2736, C replaced by T.
Protein change: p.Pro912=; no amino-acid change (proline 912 retained).
Molecular consequence: synonymous variant.
Genome position (GRCh38, 1-based): chr9:132,328,862, G>A on the plus strand (C>T on the coding strand, the complement: SETX is on the minus strand). VCF-style: chr9-132328862-G-A. GRCh37 (hg19) VCF-style: chr9-135204249-G-A.
Other names: p.Pro912=; c.2736C>T, p.Pro912= (NM_001351527.2, NM_001351528.2).
Identifiers: ClinVar variation 4683445 (VCV004683445.1).

ClinVar aggregate classification (germline): Likely benign (1 of 4 stars; one submission).

gnomAD v4.1: 5 of 1,613,940 alleles (0.00031%); highest among the groups gnomAD compares: South Asian, 0.0055%; no homozygotes.

Submission:

Mayo Clinic Laboratories, Mayo Clinic
Classification: Likely benign. Last evaluated: 2025-08-07. Review status: criteria provided, single submitter. Criteria: ACMG Guidelines, 2015. Collection method: clinical testing. Allele origin: germline. Observed: 1 variant allele.
Comment: BP4, BP7